The following is an entry in ClinVar:

ClinVar aggregate classification (germline): Pathogenic. Review status: criteria provided, multiple submitters, no conflicts (2 of 4 stars). 4 submissions from 4 submitters: Pathogenic (4). Last evaluated 2025-01-23.

Conditions:
Encephalopathy-hypertrophic cardiomyopathy-renal tubular disease syndrome. Identifiers: Orphanet 319678, MedGen C3553374, MONDO:0013840, OMIM 614654.

Allele frequency attached by ClinVar (database versions not stated): gnomAD exomes 0.00001; gnomAD 0.00003; TOPMed 0.00003.

Submissions (4):

GeneDx
Classification: Pathogenic. Last evaluated: 2025-01-23. Review status: criteria provided, single submitter. Criteria: GeneDx Variant Classification Process June 2021. Collection method: clinical testing. Allele origin: germline. Affected: yes.
Comment: Frameshift variant predicted to result in protein truncation or nonsense mediated decay in a gene for which loss of function is a known mechanism of disease; Not observed at significant frequency in large population cohorts (gnomAD); This variant is associated with the following publications: (PMID: 34906519)

Revvity Omics, Revvity
Classification: Pathogenic for Encephalopathy-hypertrophic cardiomyopathy-renal tubular disease syndrome. Last evaluated: 2023-03-08. Review status: criteria provided, single submitter. Criteria: ACMG Guidelines, 2015. Collection method: clinical testing. Allele origin: germline.

Labcorp Genetics (formerly Invitae), Labcorp
Classification: Pathogenic. Last evaluated: 2022-08-06. Review status: criteria provided, single submitter. Criteria: Invitae Variant Classification Sherloc (09022015). Collection method: clinical testing. Allele origin: germline.
Comment: This variant has not been reported in the literature in individuals affected with COQ9-related conditions. For these reasons, this variant has been classified as Pathogenic. This variant is present in population databases (no rsID available, gnomAD 0.004%). This sequence change creates a premature translational stop signal (p.Gln66Argfs*6) in the COQ9 gene. It is expected to result in an absent or disrupted protein product. Loss-of-function variants in COQ9 are known to be pathogenic (PMID: 19375058, 26081641).

Juno Genomics, Hangzhou Juno Genomics, Inc
Classification: Pathogenic for Encephalopathy-hypertrophic cardiomyopathy-renal tubular disease syndrome. Review status: criteria provided, single submitter. Criteria: ACMG Guidelines, 2015. Collection method: clinical testing. Allele origin: germline. Affected: yes.
Comment: Absent from controls (or at extremely low frequency if recessive) in Genome Aggregation Database.;Null variant in a gene where loss of function (LOF) is a known mechanism of disease.;For recessive disorders, detected in trans with a pathogenic variant.

Literature cited by the submitters: PubMed 19375058 (cited by Labcorp Genetics (formerly Invitae), Labcorp); PubMed 26081641 (cited by Labcorp Genetics (formerly Invitae), Labcorp).

NM_020312.4(COQ9):c.197_198del (p.Gln66fs)

Gene: COQ9 (coenzyme Q9; plus strand). Cytogenetic location: 16q21.
Variant type: Deletion.
Coding change: c.197_198del on transcript NM_020312.4 (MANE Select); coding-DNA positions 197 to 198, 2 bases deleted (AG; older notation c.197_198delAG).
Protein change: p.Gln66fs; shifts the reading frame from glutamine 66.
Molecular consequence: frameshift variant.
Genome position (GRCh38, 1-based): chr16:57,451,163-57,451,164, AG deleted. VCF-style (leftmost placement, unchanged base first): chr16-57451162-CAG-C. GRCh37 (hg19) VCF-style: chr16-57485074-CAG-C.
Other names: c.197_198del (NM_020312.1); short protein forms Q66fs.
Identifiers: ClinVar variation 1924901 (VCV001924901.9), dbSNP rs1491334480, ClinGen allele CA623113166.